The following is an entry in ClinVar:

ClinVar aggregate classification (germline): Pathogenic (1 of 4 stars; one submission).

Conditions:
Trichorhinophalangeal syndrome, type III (TRPS3). Also called: SUGIO-KAJII SYNDROME. Identifiers: Orphanet 77258, MedGen C1860823, OMIM 190351, MONDO:0008597.
Trichorhinophalangeal dysplasia type I (TRPS1). Also called: TRPS I; TRICHORHINOPHALANGEAL SYNDROME, TYPE I. Identifiers: Orphanet 77258, MedGen C0432233, MONDO:0008596, OMIM 190350.

Submission:

Labcorp Genetics (formerly Invitae), Labcorp
Classification: Pathogenic for Trichorhinophalangeal syndrome, type III; Trichorhinophalangeal dysplasia type I. Last evaluated: 2021-10-14. Review status: criteria provided, single submitter. Criteria: Invitae Variant Classification Sherloc (09022015). Collection method: clinical testing. Allele origin: germline.
Comment: This variant is a gross deletion of the genomic region encompassing exon(s) 2 of the TRPS1 gene, which includes the initiator codon. This deletion extends beyond the assayed region for this gene and therefore may encompass additional genes. It is currently unclear if variants that occur in this region of the gene cause disease. For these reasons, this variant has been classified as Pathogenic. A similar copy number variant has been observed in individual(s) with clinical features of trichorhinophalangeal syndrome (Invitae). In at least one individual the variant was observed to be de novo.

NC_000008.10:g.(?_116635808)_(116635864_?)del

Gene: TRPS1 (transcriptional repressor GATA binding 1; minus strand). Cytogenetic location: 8q23.3.
Variant type: Deletion.
Identifiers: ClinVar variation 1460308 (VCV001460308.4).